The following is an entry in ClinVar:

NM_001242896.3(DEPDC5):c.4741A>G (p.Ile1581Val)

Gene: DEPDC5 (DEP domain containing 5, GATOR1 subcomplex subunit; plus strand). Cytogenetic location: 22q12.3.
Variant type: single nucleotide variant.
Coding change: c.4741A>G on transcript NM_001242896.3 (MANE Select); coding-DNA position 4741, A replaced by G.
Protein change: p.Ile1581Val; replaces isoleucine 1581 with valine.
Molecular consequence: missense variant. On other transcripts: non-coding transcript variant (5).
Genome position (GRCh38, 1-based): chr22:31,906,426, A>G. VCF-style: chr22-31906426-A-G. GRCh37 (hg19) VCF-style: chr22-32302412-A-G.
Other names: c.4657A>G, p.Ile1553Val (NM_001369901.1, NM_001369902.1); c.4648A>G, p.Ile1550Val (NM_001369903.1, NM_014662.6); c.4714A>G, p.Ile1572Val (NM_001136029.4); c.4441A>G, p.Ile1481Val (NM_001242897.2); c.4675A>G, p.Ile1559Val (NM_001363852.2, NM_001364320.2); c.4507A>G, p.Ile1503Val (NM_001363854.2, NM_001364319.2); c.4741A>G, p.Ile1581Val (NM_001364318.2); short protein forms I1481V, I1553V, I1550V, I1559V, I1581V, I1503V, I1572V.
Identifiers: ClinVar variation 3715378 (VCV003715378.2).

ClinVar aggregate classification (germline): Uncertain significance (1 of 4 stars; one submission).

Conditions:
Familial focal epilepsy with variable foci (FPEVF). Identifiers: Orphanet 98820, MedGen C1858477, MONDO:0020310.

gnomAD v4.1: 1 of 1,614,072 alleles (0.000062%); highest among the groups gnomAD compares: East Asian, 0.0022%; no homozygotes.

Submission:

Labcorp Genetics (formerly Invitae), Labcorp
Classification: Uncertain significance for Familial focal epilepsy with variable foci. Last evaluated: 2024-05-01. Review status: criteria provided, single submitter. Criteria: Invitae Variant Classification Sherloc (09022015). Collection method: clinical testing. Allele origin: germline.
Comment: This sequence change replaces isoleucine, which is neutral and non-polar, with valine, which is neutral and non-polar, at codon 1581 of the DEPDC5 protein (p.Ile1581Val). This variant is not present in population databases (gnomAD no frequency). This variant has not been reported in the literature in individuals affected with DEPDC5-related conditions. Algorithms developed to predict the effect of missense changes on protein structure and function output the following: SIFT: "Not Available"; PolyPhen-2: "Not Available"; Align-GVGD: "Not Available". The valine amino acid residue is found in multiple mammalian species, which suggests that this missense change does not adversely affect protein function. In summary, the available evidence is currently insufficient to determine the role of this variant in disease. Therefore, it has been classified as a Variant of Uncertain Significance.